The following is an entry in ClinVar:

ClinVar aggregate classification (germline): Uncertain significance. Review status: criteria provided, multiple submitters, no conflicts (2 of 4 stars). 2 submissions from 2 submitters: Uncertain significance (2). Last evaluated 2023-09-22.

Conditions:
Developmental and epileptic encephalopathy, 7 (DEE7). Also called: Early infantile epileptic encephalopathy 7; KCNQ2-Related Neonatal-Onset Developmental and Epileptic Encephalopathy (NEO-DEE); KCNQ2-Related Neonatal Epileptic Encephalopathy. Identifiers: Orphanet 439218, MedGen C3150986, MONDO:0013387, OMIM 613720.
Early-infantile DEE. Also called: Early infantile epileptic encephalopathy; Ohtahara syndrome; Early infantile epileptic encephalopathy with suppression bursts. Identifiers: Orphanet 1934, MedGen C0393706, MONDO:0800491.

Allele frequency attached by ClinVar (database versions not stated): gnomAD exomes below 0.00001.
gnomAD v4.1: 4 of 1,607,572 alleles (0.00025%); highest among the groups gnomAD compares: East Asian, 0.0022%; no homozygotes.

Submissions (2):

Labcorp Genetics (formerly Invitae), Labcorp
Classification: Uncertain significance for Early-infantile DEE. Last evaluated: 2023-09-22. Review status: criteria provided, single submitter. Criteria: Invitae Variant Classification Sherloc (09022015). Collection method: clinical testing. Allele origin: germline.
Comment: This variant has not been reported in the literature in individuals affected with KCNQ2-related conditions. ClinVar contains an entry for this variant (Variation ID: 930863). An algorithm developed to predict the effect of missense changes on protein structure and function (PolyPhen-2) suggests that this variant is likely to be disruptive. In summary, the available evidence is currently insufficient to determine the role of this variant in disease. Therefore, it has been classified as a Variant of Uncertain Significance. This sequence change replaces glutamic acid, which is acidic and polar, with lysine, which is basic and polar, at codon 610 of the KCNQ2 protein (p.Glu610Lys). The frequency data for this variant in the population databases is considered unreliable, as metrics indicate poor data quality at this position in the gnomAD database.

Centre for Mendelian Genomics, University Medical Centre Ljubljana
Classification: Uncertain significance for Developmental and epileptic encephalopathy, 7. Last evaluated: 2019-04-30. Review status: criteria provided, single submitter. Criteria: ACMG Guidelines, 2015. Collection method: clinical testing. Allele origin: unknown. Affected: yes.
Comment: This variant was classified as: Uncertain significance. The available evidence on this variant's pathogenicity is insufficient or conflicting. The following ACMG criteria were applied in classifying this variant: PP2.

NM_172107.4(KCNQ2):c.1828G>A (p.Glu610Lys)

Gene: KCNQ2 (potassium voltage-gated channel subfamily Q member 2; minus strand). Cytogenetic location: 20q13.33.
Variant type: single nucleotide variant.
Coding change: c.1828G>A on transcript NM_172107.4 (MANE Select); coding-DNA position 1828, G replaced by A.
Protein change: p.Glu610Lys; replaces glutamic acid 610 with lysine.
Molecular consequence: missense variant.
Genome position (GRCh38, 1-based): chr20:63,408,472, C>T on the plus strand (G>A on the coding strand, the complement: KCNQ2 is on the minus strand). VCF-style: chr20-63408472-C-T. GRCh37 (hg19) VCF-style: chr20-62039825-C-T.
Other names: c.1882G>A, p.Glu628Lys (NM_001382235.1); c.1744G>A, p.Glu582Lys (NM_004518.6); c.1774G>A, p.Glu592Lys (NM_172106.3); c.1735G>A, p.Glu579Lys (NM_172108.5); short protein forms E579K, E610K, E582K, E592K, E628K.
Identifiers: ClinVar variation 930863 (VCV000930863.10), dbSNP rs1350422852, ClinGen allele CA409640325.